The following is an entry in ClinVar:

NM_004655.4(AXIN2):c.1364_1365inv (p.Pro455Leu)

Gene: AXIN2 (axin 2; minus strand). Cytogenetic location: 17q24.1.
Variant type: Inversion.
Coding change: c.1364_1365inv on transcript NM_004655.4 (MANE Select).
Protein change: p.Pro455Leu; replaces proline 455 with leucine.
Molecular consequence: missense variant.
Genome position: GRCh38 VCF-style: chr17-65537671-TG-CA. GRCh37 (hg19) VCF-style: chr17-63533789-TG-CA.
Other names: c.1364_1365inv, p.Pro455Leu (NM_001363813.1); c.1364_1365delCAinsTG (NM_004655.3); c.1364_1365delinsTG (NM_004655.3); short protein forms P455L.
Identifiers: ClinVar variation 1432284 (VCV001432284.8), ClinGen allele CA2573154695.

ClinVar aggregate classification (germline): Uncertain significance. Review status: criteria provided, multiple submitters, no conflicts (2 of 4 stars). 3 submissions from 3 submitters: Uncertain significance (3). Last evaluated 2026-03-31.

Conditions:
Hereditary cancer-predisposing syndrome. Also called: Hereditary Cancer Syndrome; Hereditary neoplastic syndrome; Neoplastic Syndromes, Hereditary; Tumor predisposition. Identifiers: Orphanet 140162, MedGen C0027672, MeSH D009386, MONDO:0015356.
Oligodontia-cancer predisposition syndrome. Also called: TOOTH AGENESIS-COLORECTAL CANCER SYNDROME. Identifiers: Orphanet 300576, MedGen C1837750, MONDO:0012075, OMIM 608615. Disease mechanism: loss of function.

Submissions (3):

GeneDx
Classification: Uncertain significance. Last evaluated: 2026-03-31. Review status: criteria provided, single submitter. Criteria: GeneDx Variant Classification Process June 2021. Collection method: clinical testing. Allele origin: germline.
Comment: Not observed at significant frequency in large population cohorts (gnomAD); In silico analysis supports a deleterious effect on protein structure/function; Has not been previously published as pathogenic or benign to our knowledge; This variant is associated with the following publications: (PMID: 15735151)

Ambry Genetics
Classification: Uncertain significance for Hereditary cancer-predisposing syndrome. Last evaluated: 2025-08-15. Review status: criteria provided, single submitter. Criteria: Ambry Variant Classification Scheme 2023. Collection method: clinical testing. Allele origin: germline.
Comment: The c.1364_1365delCAinsTG variant (also known as p.P455L), located in coding exon 5 of the AXIN2 gene, results from an in-frame deletion of CA and insertion of TG at nucleotide positions 1364 to 1365. This results in the substitution of the proline residue for a leucine residue at codon 455, an amino acid with similar properties. This amino acid position is highly conserved in available vertebrate species. In addition, this alteration is predicted to be deleterious by in silico analysis. Based on the available evidence, the clinical significance of this variant remains unclear.

Labcorp Genetics (formerly Invitae), Labcorp
Classification: Uncertain significance for Oligodontia-cancer predisposition syndrome. Last evaluated: 2023-10-23. Review status: criteria provided, single submitter. Criteria: Invitae Variant Classification Sherloc (09022015). Collection method: clinical testing. Allele origin: germline.
Comment: This sequence change replaces proline, which is neutral and non-polar, with leucine, which is neutral and non-polar, at codon 455 of the AXIN2 protein (p.Pro455Leu). Information on the frequency of this variant in the gnomAD database is not available, as this variant may be reported differently in the database. This variant has not been reported in the literature in individuals affected with AXIN2-related conditions. ClinVar contains an entry for this variant (Variation ID: 1432284). An algorithm developed to predict the effect of missense changes on protein structure and function (PolyPhen-2) suggests that this variant is likely to be disruptive. In summary, the available evidence is currently insufficient to determine the role of this variant in disease. Therefore, it has been classified as a Variant of Uncertain Significance.